The following is an entry in ClinVar:

NM_001382391.1(CSPP1):c.1645C>G (p.Pro549Ala)

Gene: CSPP1 (centrosome and spindle pole associated protein 1; plus strand). Cytogenetic location: 8q13.2.
Variant type: single nucleotide variant.
Coding change: c.1645C>G on transcript NM_001382391.1 (MANE Select); coding-DNA position 1645, C replaced by G.
Protein change: p.Pro549Ala; replaces proline 549 with alanine.
Molecular consequence: missense variant.
Genome position (GRCh38, 1-based): chr8:67,118,769, C>G. VCF-style: chr8-67118769-C-G. GRCh37 (hg19) VCF-style: chr8-68031004-C-G.
Other names: c.748C>G, p.Pro250Ala (NM_001291339.2); c.1564C>G, p.Pro522Ala (NM_001363131.2); c.1603C>G, p.Pro535Ala (NM_001363132.2); c.1522C>G, p.Pro508Ala (NM_001363133.2); c.1711C>G, p.Pro571Ala (NM_001364869.1); c.1531C>G, p.Pro511Ala (NM_001364870.1); c.1630C>G, p.Pro544Ala (NM_024790.7); short protein forms P508A, P522A, P549A, P511A, P544A, P250A, P535A, P571A.
Identifiers: ClinVar variation 962969 (VCV000962969.10), dbSNP rs754153035, ClinGen allele CA4770611.

ClinVar aggregate classification (germline): Uncertain significance. Review status: criteria provided, multiple submitters, no conflicts (2 of 4 stars). 4 submissions from 4 submitters: Uncertain significance (3). 1 of the submissions does not count toward it. Last evaluated 2024-09-10.

Conditions:
Inborn genetic diseases. Identifiers: MedGen C0950123, MeSH D030342.
Joubert syndrome 21 (JBTS21). Identifiers: MedGen C3810212, MONDO:0014288, OMIM 615636.
Retinal dystrophy. Also called: Inherited retinal dystrophy. Identifiers: Orphanet 71862, MedGen C0854723, MeSH D058499, MONDO:0019118, HP:0000556.

Allele frequency attached by ClinVar (database versions not stated): ExAC 0.00001; gnomAD 0.00001; gnomAD exomes 0.00001 and 0.00004; TOPMed 0.00002.
gnomAD v4.1: 56 of 1,612,158 alleles (0.0035%); highest among the groups gnomAD compares: Non-Finnish European, 0.0043%; no homozygotes.

Submissions (4):

Blueprint Genetics
Classification: Uncertain significance. Last evaluated: 2024-09-10. Review status: criteria provided, single submitter. Criteria: ACMG Guidelines, 2015. Collection method: clinical testing. Allele origin: germline.

Ambry Genetics
Classification: Uncertain significance for Inborn genetic diseases. Last evaluated: 2023-05-05. Review status: criteria provided, single submitter. Criteria: Ambry Variant Classification Scheme 2023. Collection method: clinical testing. Allele origin: germline.

Labcorp Genetics (formerly Invitae), Labcorp
Classification: Uncertain significance for Joubert syndrome 21. Last evaluated: 2021-08-30. Review status: criteria provided, single submitter. Criteria: Invitae Variant Classification Sherloc (09022015). Collection method: clinical testing. Allele origin: germline.
Comment: This sequence change replaces proline with alanine at codon 544 of the CSPP1 protein (p.Pro544Ala). The proline residue is highly conserved and there is a small physicochemical difference between proline and alanine. This variant is present in population databases (rs754153035, ExAC 0.002%). This variant has not been reported in the literature in individuals affected with CSPP1-related conditions. Algorithms developed to predict the effect of missense changes on protein structure and function (SIFT, PolyPhen-2, Align-GVGD) all suggest that this variant is likely to be disruptive. In summary, the available evidence is currently insufficient to determine the role of this variant in disease. Therefore, it has been classified as a Variant of Uncertain Significance.

Institute of Human Genetics, Univ. Regensburg, Univ. Regensburg
Classification: Uncertain significance for Retinal dystrophy. Last evaluated: 2022-01-01. Review status: no assertion criteria provided. Criteria: ACMG Guidelines, 2015. Collection method: clinical testing. Allele origin: germline. Affected: yes. Not counted in ClinVar's aggregate classification.